The following is an entry in ClinVar:

ClinVar aggregate classification (germline): Likely pathogenic (1 of 4 stars; one submission).

Conditions:
GSR-related disorder. Also called: GSR-related condition.

Submission:

PreventionGenetics, part of Exact Sciences
Classification: Likely pathogenic for GSR-related condition. Last evaluated: 2026-06-05. Review status: criteria provided, single submitter. Criteria: ACMG Guidelines, 2015. Collection method: clinical testing. Allele origin: germline.
Comment: The GSR c.999delT variant is predicted to result in a frameshift and premature protein termination (p.Ile333Metfs*10). To our knowledge, this variant has not been reported in the literature. This variant is reported in 0.00088% of alleles in individuals of European (Non-Finnish) descent in gnomAD. Frameshift variants in GSR are expected to be pathogenic. This variant is interpreted as likely pathogenic.

NM_000637.5(GSR):c.999del (p.Ile333fs)

Gene: GSR (glutathione-disulfide reductase; minus strand). Cytogenetic location: 8p12.
Variant type: Deletion.
Coding change: c.999del on transcript NM_000637.5 (MANE Select); coding-DNA position 999, one base deleted (T; older notation c.999delT).
Protein change: p.Ile333fs; shifts the reading frame from isoleucine 333.
Molecular consequence: frameshift variant. On other transcripts: intron variant (2).
Genome position (GRCh38, 1-based): chr8:30,689,203, A deleted on the plus strand (T on the coding strand, the reverse complement: GSR is on the minus strand); the first of 2 consecutive A bases (chr8:30,689,203-30,689,204); deleting either gives the same sequence. VCF-style (leftmost placement, unchanged base first): chr8-30689202-CA-C. GRCh37 (hg19) VCF-style: chr8-30546719-CA-C.
Other names: c.912del, p.Ile304fs (NM_001195102.3); c.796-5004del (NM_001195104.3); c.882+3766del (NM_001195103.3); short protein forms I304fs, I333fs.
Identifiers: ClinVar variation 4990705 (VCV004990705.1).